The following is an entry in ClinVar:

ClinVar aggregate classification (germline): Pathogenic/Likely pathogenic. Review status: criteria provided, multiple submitters, no conflicts (2 of 4 stars). 11 submissions from 9 submitters: Pathogenic (6); Likely pathogenic (3). 2 of the submissions do not count toward it. Last evaluated 2026-01-29.

Conditions:
Rare genetic deafness. Identifiers: Orphanet 96210, MedGen C5680250.
USH2A-related disorder. Also called: USH2A-related condition; USH2A-related disorders. Identifiers: MedGen CN239332.
Retinal dystrophy. Also called: Inherited retinal dystrophy. Identifiers: Orphanet 71862, MedGen C0854723, MeSH D058499, MONDO:0019118, HP:0000556.
Usher syndrome type 2A. Also called: USHER SYNDROME, TYPE IIA; RETINAL DISEASE IN USHER SYNDROME TYPE IIA, MODIFIER OF. Identifiers: Orphanet 231178, Orphanet 886, MedGen C1848634, MONDO:0010169, OMIM 276901.
Retinitis pigmentosa 39 (RP39). Identifiers: Orphanet 791, MedGen C3151138, MONDO:0013436, OMIM 613809.

Allele frequency attached by ClinVar (database versions not stated): gnomAD exomes below 0.00001 and 0.00001; ExAC 0.00001; ESP Exome Variant Server 0.00008.

Submissions (11):

Labcorp Genetics (formerly Invitae), Labcorp
Classification: Pathogenic. Last evaluated: 2026-01-29. Review status: criteria provided, single submitter. Criteria: Invitae Variant Classification Sherloc (09022015). Collection method: clinical testing. Allele origin: germline.
Comment: This sequence change creates a premature translational stop signal (p.Cys1186Trpfs*51) in the USH2A gene. It is expected to result in an absent or disrupted protein product. Loss-of-function variants in USH2A are known to be pathogenic (PMID: 10729113, 10909849, 20507924, 25649381). This variant is present in population databases (rs397518014, gnomAD 0.0009%). This premature translational stop signal has been observed in individual(s) with Usher syndrome (PMID: 20613545, 27318125). ClinVar contains an entry for this variant (Variation ID: 48504). For these reasons, this variant has been classified as Pathogenic.

Fulgent Genetics
Classification: Likely pathogenic for Usher syndrome type 2A; Retinitis pigmentosa 39. Last evaluated: 2024-05-03. Review status: criteria provided, single submitter. Criteria: ACMG Guidelines, 2015. Collection method: clinical testing. Allele origin: germline.

Genome-Nilou Lab
Classification: Likely pathogenic for Retinitis pigmentosa 39. Last evaluated: 2023-11-04. Review status: criteria provided, single submitter. Criteria: ACMG Guidelines, 2015. Collection method: clinical testing. Allele origin: germline. Affected: no.

Genome-Nilou Lab
Classification: Likely pathogenic for Usher syndrome type 2A. Last evaluated: 2023-11-04. Review status: criteria provided, single submitter. Criteria: ACMG Guidelines, 2015. Collection method: clinical testing. Allele origin: germline. Affected: no.

Baylor Genetics
Classification: Pathogenic for Retinitis pigmentosa 39. Last evaluated: 2023-06-12. Review status: criteria provided, single submitter. Criteria: ACMG Guidelines, 2015. Collection method: clinical testing. Allele origin: unknown.

Institute of Medical Genetics and Applied Genomics, University Hospital Tübingen
Classification: Pathogenic for Usher syndrome type 2A. Last evaluated: 2023-01-30. Review status: criteria provided, single submitter. Criteria: ACMG Guidelines, 2015. Collection method: clinical testing. Allele origin: germline. Inheritance: Autosomal recessive inheritance. Affected: yes.

Blueprint Genetics
Classification: Pathogenic for USH2A-related disorders. Last evaluated: 2022-09-29. Review status: criteria provided, single submitter. Criteria: ACMG Guidelines, 2015. Collection method: clinical testing. Allele origin: germline. Affected: yes. Observed: 5 variant alleles.

Institute of Human Genetics, Univ. Regensburg, Univ. Regensburg
Classification: Pathogenic for Retinal dystrophy. Last evaluated: 2021-01-01. Review status: criteria provided, single submitter. Criteria: ACMG Guidelines, 2015. Collection method: clinical testing. Allele origin: germline. Affected: yes.

Laboratory for Molecular Medicine, Mass General Brigham Personalized Medicine
Classification: Pathogenic for Rare genetic deafness. Last evaluated: 2011-09-17. Review status: criteria provided, single submitter. Criteria: LMM Criteria. Collection method: clinical testing. Allele origin: germline. Inheritance: Autosomal recessive inheritance. Observed: 1 variant allele.

Counsyl
Classification: Likely pathogenic for Usher syndrome type 2A. Last evaluated: 2015-12-16. Review status: no assertion criteria provided. Collection method: clinical testing. Allele origin: unknown. Not counted in ClinVar's aggregate classification.

Counsyl
Classification: Likely pathogenic for Retinitis pigmentosa 39. Last evaluated: 2015-12-16. Review status: no assertion criteria provided. Collection method: clinical testing. Allele origin: unknown. Not counted in ClinVar's aggregate classification.

Literature cited by the submitters: PubMed 10729113 (cited by Labcorp Genetics (formerly Invitae), Labcorp); PubMed 10909849 (cited by Labcorp Genetics (formerly Invitae), Labcorp); PubMed 20507924 (cited by Labcorp Genetics (formerly Invitae), Labcorp); PubMed 25649381 (cited by Labcorp Genetics (formerly Invitae), Labcorp); PubMed 20613545 (cited by Labcorp Genetics (formerly Invitae), Labcorp and Laboratory for Molecular Medicine, Mass General Brigham Personalized Medicine); PubMed 27318125 (cited by Labcorp Genetics (formerly Invitae), Labcorp); PubMed 16963483 (cited by Institute of Human Genetics, Univ. Regensburg, Univ. Regensburg); PubMed 3196484 (cited by Institute of Human Genetics, Univ. Regensburg, Univ. Regensburg).

NM_206933.4(USH2A):c.3558del (p.Cys1186fs)

Genes: USH2A (usherin; minus strand), USH2A-AS1 (USH2A antisense RNA 1; plus strand). Cytogenetic location: 1q41.
Variant type: Deletion.
Coding change: c.3558del on transcript NM_206933.4 (MANE Select); coding-DNA position 3558, one base deleted (T; older notation c.3558delT).
Protein change: p.Cys1186fs; shifts the reading frame from cysteine 1186.
Molecular consequence: frameshift variant.
Genome position (GRCh38, 1-based): chr1:216,199,880, A deleted on the plus strand (T on the coding strand, the reverse complement: USH2A is on the minus strand). VCF-style (leftmost placement, unchanged base first): chr1-216199879-CA-C. GRCh37 (hg19) VCF-style: chr1-216373221-CA-C.
Other names: c.3558del, p.Cys1186fs (NM_007123.6); c.3558del (NM_206933.2); short protein forms C1186fs.
Identifiers: ClinVar variation 48504 (VCV000048504.20), dbSNP rs397518014, ClinGen allele CA262102.
Genomic context (GRCh38, chr1:216,199,879, plus strand): 5'-TGGTAGCTGAGGTTTCATGACCTTCGTAGGAAACACATGGCTGACCACCAGCCAAAGGGG[CA>C]CAGGACAAAATATATTTCTCTATGGGACCAGATTGATTTGAGAGTGTTGTCCAGGTAAGT-3'